The following is an entry in ClinVar:

NM_014324.6(AMACR):c.589A>G (p.Lys197Glu)

Genes: AMACR (alpha-methylacyl-CoA racemase; minus strand), C1QTNF3-AMACR (C1QTNF3-AMACR readthrough (NMD candidate); minus strand). Cytogenetic location: 5p13.2.
Variant type: single nucleotide variant.
Coding change: c.589A>G on transcript NM_014324.6 (MANE Select); coding-DNA position 589, A replaced by G.
Protein change: p.Lys197Glu; replaces lysine 197 with glutamic acid.
Molecular consequence: missense variant. On other transcripts: non-coding transcript variant (1).
Genome position (GRCh38, 1-based): chr5:33,998,791, T>C on the plus strand (A>G on the coding strand, the complement: AMACR is on the minus strand). VCF-style: chr5-33998791-T-C. GRCh37 (hg19) VCF-style: chr5-33998896-T-C.
Other names: c.589A>G, p.Lys197Glu (NM_001167595.2); c.428A>G, p.Glu143Gly (NM_203382.3); short protein forms E143G, K197E.
Identifiers: ClinVar variation 5038243 (VCV005038243.1).

ClinVar aggregate classification (germline): Uncertain significance (1 of 4 stars; one submission).

Conditions:
Alpha-methylacyl-CoA racemase deficiency (AMACRD). Also called: AMACR deficiency. Identifiers: Orphanet 79095, MedGen C3280428, MONDO:0013681, OMIM 614307. Disease mechanism: loss of function.

Submission:

MVZ Medizinische Genetik Mainz
Classification: Uncertain significance for Alpha-methylacyl-CoA racemase deficiency. Last evaluated: 2026-04-22. Review status: criteria provided, single submitter. Criteria: UK Practice Guidelines For Variant Classification V4 01 2020. Collection method: clinical testing. Allele origin: germline. Inheritance: Autosomal recessive inheritance. Affected: yes. Observed: 1 variant allele.
Comment: ACMG Criteria: PM2_SUP,BP4